The following is an entry in ClinVar:

ClinVar aggregate classification (germline): Pathogenic. Review status: criteria provided, multiple submitters, no conflicts (2 of 4 stars). 2 submissions from 2 submitters: Pathogenic (2). Last evaluated 2025-05-13.

Conditions:
Trichorhinophalangeal dysplasia type I (TRPS1). Also called: TRICHORHINOPHALANGEAL SYNDROME, TYPE I; TRPS I. Identifiers: Orphanet 77258, MedGen C0432233, MONDO:0008596, OMIM 190350.
Trichorhinophalangeal syndrome, type III (TRPS3). Also called: SUGIO-KAJII SYNDROME. Identifiers: Orphanet 77258, MedGen C1860823, OMIM 190351, MONDO:0008597.

Allele frequency attached by ClinVar (database versions not stated): gnomAD exomes below 0.00001.
gnomAD v4.1: 1 of 1,614,170 alleles (0.000062%); highest among the groups gnomAD compares: Non-Finnish European, 0.000085%; no homozygotes.

Submissions (2):

Labcorp Genetics (formerly Invitae), Labcorp
Classification: Pathogenic for Trichorhinophalangeal syndrome, type III; Trichorhinophalangeal dysplasia type I. Last evaluated: 2025-05-13. Review status: criteria provided, single submitter. Criteria: Invitae Variant Classification Sherloc (09022015). Collection method: clinical testing. Allele origin: germline.
Comment: This sequence change creates a premature translational stop signal (p.Gln732*) in the TRPS1 gene. It is expected to result in an absent or disrupted protein product. Loss-of-function variants in TRPS1 are known to be pathogenic (PMID: 11112658). This variant is not present in population databases (gnomAD no frequency). This premature translational stop signal has been observed in individual(s) with trichorhinophalangeal syndrome (PMID: 11112658). This variant is also known as 2155C>T (p.Q719X). ClinVar contains an entry for this variant (Variation ID: 1187428). For these reasons, this variant has been classified as Pathogenic.

GeneDx
Classification: Pathogenic. Last evaluated: 2022-12-23. Review status: criteria provided, single submitter. Criteria: GeneDx Variant Classification Process June 2021. Collection method: clinical testing. Allele origin: germline. Affected: yes.
Comment: Nonsense variant predicted to result in protein truncation or nonsense mediated decay in a gene for which loss-of-function is a known mechanism of disease; Not observed in large population cohorts (gnomAD); Also known as Q719X; This variant is associated with the following publications: (PMID: 25525159, 11112658)

Literature cited by the submitters: PubMed 11112658 (cited by Labcorp Genetics (formerly Invitae), Labcorp).

NM_014112.5(TRPS1):c.2194C>T (p.Gln732Ter)

Gene: TRPS1 (transcriptional repressor GATA binding 1; minus strand). Cytogenetic location: 8q23.3.
Variant type: single nucleotide variant.
Coding change: c.2194C>T on transcript NM_014112.5 (MANE Select); coding-DNA position 2194, C replaced by T.
Protein change: p.Gln732Ter; replaces glutamine 732 with a stop codon.
Molecular consequence: nonsense.
Genome position (GRCh38, 1-based): chr8:115,587,507, G>A on the plus strand (C>T on the coding strand, the complement: TRPS1 is on the minus strand). VCF-style: chr8-115587507-G-A. GRCh37 (hg19) VCF-style: chr8-116599734-G-A.
Other names: c.2167C>T, p.Gln723Ter (NM_001282902.3); c.2173C>T, p.Gln725Ter (NM_001282903.3); c.2155C>T, p.Gln719Ter (NM_001330599.2); short protein forms Q719*, Q723*, Q725*, Q732*.
Identifiers: ClinVar variation 1187428 (VCV001187428.9), dbSNP rs2130445786, ClinGen allele CA372065655.